The following is an entry in ClinVar:

ClinVar aggregate classification (germline): Uncertain significance (1 of 4 stars; one submission).

Conditions:
Ataxia-telangiectasia syndrome (AT). Also called: Ataxia-telangiectasia, complementation group D; AT, COMPLEMENTATION GROUP C; ATAXIA-TELANGIECTASIA, COMPLEMENTATION GROUP A; ATAXIA-TELANGIECTASIA, FRESNO VARIANT; Ataxia-telangiectasia; Ataxia-telangiectasia, complementation group E. Identifiers: Orphanet 100, MedGen C0004135, MONDO:0008840, OMIM 208900.

Submission:

Labcorp Genetics (formerly Invitae), Labcorp
Classification: Uncertain significance for Ataxia-telangiectasia syndrome. Last evaluated: 2024-11-27. Review status: criteria provided, single submitter. Criteria: Invitae Variant Classification Sherloc (09022015). Collection method: clinical testing. Allele origin: germline.
Comment: This sequence change replaces glutamic acid, which is acidic and polar, with alanine, which is neutral and non-polar, at codon 2094 of the ATM protein (p.Glu2094Ala). This variant is not present in population databases (gnomAD no frequency). This variant has not been reported in the literature in individuals affected with ATM-related conditions. Invitae Evidence Modeling of protein sequence and biophysical properties (such as structural, functional, and spatial information, amino acid conservation, physicochemical variation, residue mobility, and thermodynamic stability) indicates that this missense variant is not expected to disrupt ATM protein function with a negative predictive value of 95%. In summary, the available evidence is currently insufficient to determine the role of this variant in disease. Therefore, it has been classified as a Variant of Uncertain Significance.

NM_000051.4(ATM):c.6281A>C (p.Glu2094Ala)

Genes: ATM (ATM serine/threonine kinase; plus strand), C11orf65 (chromosome 11 open reading frame 65; minus strand). Cytogenetic location: 11q22.3.
Variant type: single nucleotide variant.
Coding change: c.6281A>C on transcript NM_000051.4 (MANE Select); coding-DNA position 6281, A replaced by C.
Protein change: p.Glu2094Ala; replaces glutamic acid 2094 with alanine.
Molecular consequence: missense variant. On other transcripts: intron variant (2).
Genome position (GRCh38, 1-based): chr11:108,317,455, A>C. VCF-style: chr11-108317455-A-C. GRCh37 (hg19) VCF-style: chr11-108188182-A-C.
Other names: c.6281A>C, p.Glu2094Ala (NM_001351834.2); c.641-8384T>G (NM_001330368.2); c.*39-8384T>G (NM_001351110.2); short protein forms E2094A.
Identifiers: ClinVar variation 3720467 (VCV003720467.2).
Genomic context (GRCh38, chr11:108,317,455, plus strand): 5'-GCCATATTCTTTCCGTCTATTTAAAAGGATTGGATTATGAAAATAAAGACTGGTGTCCTG[A>C]ACTAGAAGAACTTCATTACCAAGCAGCATGGAGGAATATGCAGTGGGACCATTGCACTTC-3'
Protein context (NP_000042.3, residues 2084-2104): LDYENKDWCP[Glu2094Ala]LEELHYQAAW